The following is an entry in ClinVar:

NM_001134407.3(GRIN2A):c.1019A>G (p.Asn340Ser)

Gene: GRIN2A (glutamate ionotropic receptor NMDA type subunit 2A; minus strand). Cytogenetic location: 16p13.2.
Variant type: single nucleotide variant.
Coding change: c.1019A>G on transcript NM_001134407.3 (MANE Select); coding-DNA position 1019, A replaced by G.
Protein change: p.Asn340Ser; replaces asparagine 340 with serine.
Molecular consequence: missense variant.
Genome position (GRCh38, 1-based): chr16:9,891,089, T>C on the plus strand (A>G on the coding strand, the complement: GRIN2A is on the minus strand). VCF-style: chr16-9891089-T-C. GRCh37 (hg19) VCF-style: chr16-9984946-T-C.
Other names: c.1019A>G (NM_000833.3); c.1019A>G, p.Asn340Ser (NM_000833.5, NM_001134408.2); short protein forms N340S.
Identifiers: ClinVar variation 1488256 (VCV001488256.9), dbSNP rs1040519934, ClinGen allele CA278188163.

ClinVar aggregate classification (germline): Uncertain significance. Review status: criteria provided, multiple submitters, no conflicts (2 of 4 stars). 2 submissions from 2 submitters: Uncertain significance (2). Last evaluated 2025-11-24.

Conditions:
Inborn genetic diseases. Identifiers: MedGen C0950123, MeSH D030342.
Landau-Kleffner syndrome (FESD). Also called: EPILEPSY, FOCAL, WITH SPEECH DISORDER AND WITH OR WITHOUT MENTAL RETARDATION; APHASIA, ACQUIRED, WITH EPILEPSY. Identifiers: Orphanet 1945, Orphanet 725, Orphanet 98818, MedGen C0282512, MONDO:0009509, OMIM 245570.

Allele frequency attached by ClinVar (database versions not stated): gnomAD exomes below 0.00001; TOPMed 0.00001; gnomAD 0.00001.
gnomAD v4.1: 4 of 1,606,196 alleles (0.00025%); highest among the groups gnomAD compares: African/African-American, 0.0013%; no homozygotes.

Submissions (2):

Ambry Genetics
Classification: Uncertain significance for Inborn genetic diseases. Last evaluated: 2025-11-24. Review status: criteria provided, single submitter. Criteria: Ambry Variant Classification Scheme 2023. Collection method: clinical testing. Allele origin: germline.

Labcorp Genetics (formerly Invitae), Labcorp
Classification: Uncertain significance for Landau-Kleffner syndrome. Last evaluated: 2022-07-18. Review status: criteria provided, single submitter. Criteria: Invitae Variant Classification Sherloc (09022015). Collection method: clinical testing. Allele origin: germline.
Comment: This variant is present in population databases (no rsID available, gnomAD 0.0009%). In summary, the available evidence is currently insufficient to determine the role of this variant in disease. Therefore, it has been classified as a Variant of Uncertain Significance. Algorithms developed to predict the effect of sequence changes on RNA splicing suggest that this variant may create or strengthen a splice site. Algorithms developed to predict the effect of missense changes on protein structure and function (SIFT, PolyPhen-2, Align-GVGD) all suggest that this variant is likely to be tolerated. ClinVar contains an entry for this variant (Variation ID: 1488256). This variant has not been reported in the literature in individuals affected with GRIN2A-related conditions. This sequence change replaces asparagine, which is neutral and polar, with serine, which is neutral and polar, at codon 340 of the GRIN2A protein (p.Asn340Ser).